The following is an entry in ClinVar:

NM_000400.4(ERCC2):c.1363A>G (p.Ile455Val)

Gene: ERCC2 (ERCC excision repair 2, TFIIH core complex helicase subunit; minus strand). Cytogenetic location: 19q13.32.
Variant type: single nucleotide variant.
Coding change: c.1363A>G on transcript NM_000400.4 (MANE Select); coding-DNA position 1363, A replaced by G.
Protein change: p.Ile455Val; replaces isoleucine 455 with valine.
Molecular consequence: missense variant.
Genome position (GRCh38, 1-based): chr19:45,357,488, T>C on the plus strand (A>G on the coding strand, the complement: ERCC2 is on the minus strand). VCF-style: chr19-45357488-T-C. GRCh37 (hg19) VCF-style: chr19-45860746-T-C.
Other names: short protein forms I455V.
Identifiers: ClinVar variation 329513 (VCV000329513.9), dbSNP rs754585006, ClinGen allele CA9513338.

ClinVar aggregate classification (germline): Uncertain significance. Review status: criteria provided, multiple submitters, no conflicts (2 of 4 stars). 3 submissions from 3 submitters: Uncertain significance (3). Last evaluated 2022-09-27.

Conditions:
Inborn genetic diseases. Identifiers: MedGen C0950123, MeSH D030342.
Xeroderma pigmentosum, group D (XPD). Also called: ERCC2-Related Xeroderma Pigmentosum; XERODERMA PIGMENTOSUM, COMPLEMENTATION GROUP D; XERODERMA PIGMENTOSUM IV; XP, GROUP D; XP, GROUP H. Identifiers: MedGen C0268138, MONDO:0010212, OMIM 278730.

Allele frequency attached by ClinVar (database versions not stated): ExAC 0.00001; gnomAD 0.00001; gnomAD exomes 0.00001 and 0.00002; TOPMed 0.00002.
gnomAD v4.1: 17 of 1,613,958 alleles (0.0011%); highest among the groups gnomAD compares: South Asian, 0.0066%; 1 homozygote.

Submissions (3):

Labcorp Genetics (formerly Invitae), Labcorp
Classification: Uncertain significance. Last evaluated: 2022-09-27. Review status: criteria provided, single submitter. Criteria: Invitae Variant Classification Sherloc (09022015). Collection method: clinical testing. Allele origin: germline.
Comment: This sequence change replaces isoleucine, which is neutral and non-polar, with valine, which is neutral and non-polar, at codon 455 of the ERCC2 protein (p.Ile455Val). This variant is present in population databases (rs754585006, gnomAD 0.006%), including at least one homozygous and/or hemizygous individual. This variant has not been reported in the literature in individuals affected with ERCC2-related conditions. ClinVar contains an entry for this variant (Variation ID: 329513). Advanced modeling of protein sequence and biophysical properties (such as structural, functional, and spatial information, amino acid conservation, physicochemical variation, residue mobility, and thermodynamic stability) performed at Invitae indicates that this missense variant is not expected to disrupt ERCC2 protein function. In summary, the available evidence is currently insufficient to determine the role of this variant in disease. Therefore, it has been classified as a Variant of Uncertain Significance.

Ambry Genetics
Classification: Uncertain significance for Inborn genetic diseases. Last evaluated: 2022-09-18. Review status: criteria provided, single submitter. Criteria: Ambry Variant Classification Scheme 2023. Collection method: clinical testing. Allele origin: germline.
Comment: The p.I455V variant (also known as c.1363A>G), located in coding exon 14 of the ERCC2 gene, results from an A to G substitution at nucleotide position 1363. The isoleucine at codon 455 is replaced by valine, an amino acid with highly similar properties. This amino acid position is conserved. In addition, this alteration is predicted to be tolerated by in silico analysis. Since supporting evidence is limited at this time, the clinical significance of this alteration remains unclear.

Illumina Laboratory Services, Illumina
Classification: Uncertain significance for Xeroderma pigmentosum, group D. Last evaluated: 2018-01-13. Review status: criteria provided, single submitter. Criteria: ICSL Variant Classification Criteria 13 December 2019. Collection method: clinical testing. Allele origin: germline.